The following is an entry in ClinVar:

ClinVar aggregate classification (germline): Uncertain significance (1 of 4 stars; one submission).

Submission:

GeneDx
Classification: Uncertain significance. Last evaluated: 2025-01-09. Review status: criteria provided, single submitter. Criteria: GeneDx Variant Classification Process June 2021. Collection method: clinical testing. Allele origin: germline. Affected: yes.
Comment: Not observed at significant frequency in large population cohorts (gnomAD); In silico analysis supports that this missense variant has a deleterious effect on protein structure/function; Has not been previously published as pathogenic or benign to our knowledge

NM_001367873.1(SOX6):c.1152G>T (p.Lys384Asn)

Gene: SOX6 (SRY-box transcription factor 6; minus strand). Cytogenetic location: 11p15.2.
Variant type: single nucleotide variant.
Coding change: c.1152G>T on transcript NM_001367873.1 (MANE Select); coding-DNA position 1152, G replaced by T.
Protein change: p.Lys384Asn; replaces lysine 384 with asparagine.
Molecular consequence: missense variant.
Genome position (GRCh38, 1-based): chr11:16,055,851, C>A on the plus strand (G>T on the coding strand, the complement: SOX6 is on the minus strand). VCF-style: chr11-16055851-C-A. GRCh37 (hg19) VCF-style: chr11-16077397-C-A.
Other names: c.1029G>T, p.Lys343Asn (NM_001145811.2, NM_001367872.1, NM_017508.3); c.1152G>T, p.Lys384Asn (NM_001145819.2, NM_033326.3); short protein forms K343N, K384N.
Identifiers: ClinVar variation 4056933 (VCV004056933.1).